The following is an entry in ClinVar:

ClinVar aggregate classification (germline): Conflicting classifications of pathogenicity. Review status: criteria provided, conflicting classifications (1 of 4 stars). 6 submissions from 6 submitters: Uncertain significance (1); Likely benign (5). Last evaluated 2026-02-04.

Conditions:
Mucopolysaccharidosis, MPS-IV-A (MPS4A). Also called: mucopolysaccharidosis type 4A; MORQUIO A DISEASE; Morquio syndrome A, mild; MORQUIO SYNDROME A; GALACTOSAMINE-6-SULFATASE DEFICIENCY; GALNS DEFICIENCY. Identifiers: Orphanet 309297, Orphanet 582, MedGen C0086651, MONDO:0009659, OMIM 253000.

Allele frequency attached by ClinVar (database versions not stated): 1000 Genomes Project 30x 0.00016; 1000 Genomes Project 0.00020; gnomAD exomes 0.00060; gnomAD 0.00064 and 0.00068; TOPMed 0.00069; ExAC 0.00085; ESP Exome Variant Server 0.00092.
gnomAD v4.1: 2,459 of 1,607,482 alleles (0.15%); highest among the groups gnomAD compares: Non-Finnish European, 0.2%; 2 homozygotes.

Submissions (6):

Labcorp Genetics (formerly Invitae), Labcorp
Classification: Likely benign for Mucopolysaccharidosis, MPS-IV-A. Last evaluated: 2026-02-04. Review status: criteria provided, single submitter. Criteria: Invitae Variant Classification Sherloc (09022015). Collection method: clinical testing. Allele origin: germline.

Mayo Clinic Laboratories, Mayo Clinic
Classification: Likely benign. Last evaluated: 2025-09-15. Review status: criteria provided, single submitter. Criteria: ACMG Guidelines, 2015. Collection method: clinical testing. Allele origin: germline. Observed: 1 variant allele.
Comment: BS1, BP4, BP7

Blueprint Genetics
Classification: Likely benign. Last evaluated: 2024-10-24. Review status: criteria provided, single submitter. Criteria: ACMG Guidelines, 2015. Collection method: clinical testing. Allele origin: germline.

Genome-Nilou Lab
Classification: Likely benign for Mucopolysaccharidosis, MPS-IV-A. Last evaluated: 2021-11-07. Review status: criteria provided, single submitter. Criteria: ACMG Guidelines, 2015. Collection method: clinical testing. Allele origin: germline. Affected: no.

Illumina Laboratory Services, Illumina
Classification: Uncertain significance for Mucopolysaccharidosis, MPS-IV-A. Last evaluated: 2018-01-13. Review status: criteria provided, single submitter. Criteria: ICSL Variant Classification Criteria 13 December 2019. Collection method: clinical testing. Allele origin: germline.

PreventionGenetics, part of Exact Sciences
Classification: Likely benign. Review status: criteria provided, single submitter. Criteria: ACMG Guidelines, 2015. Collection method: clinical testing. Allele origin: germline.

NM_000512.5(GALNS):c.858G>A (p.Thr286=)

Gene: GALNS (galactosamine (N-acetyl)-6-sulfatase; minus strand). Cytogenetic location: 16q24.3.
Variant type: single nucleotide variant.
Coding change: c.858G>A on transcript NM_000512.5 (MANE Select); coding-DNA position 858, G replaced by A.
Protein change: p.Thr286=; no amino-acid change (threonine 286 retained).
Molecular consequence: synonymous variant.
Genome position (GRCh38, 1-based): chr16:88,835,253, C>T on the plus strand (G>A on the coding strand, the complement: GALNS is on the minus strand). VCF-style: chr16-88835253-C-T. GRCh37 (hg19) VCF-style: chr16-88901661-C-T.
Other names: p.Thr286=; c.303G>A, p.Thr101= (NM_001323543.2); c.876G>A, p.Thr292= (NM_001323544.2).
Identifiers: ClinVar variation 256337 (VCV000256337.21), dbSNP rs140299014, ClinGen allele CA8234956.